The following is an entry in ClinVar:

NM_000322.5(PRPH2):c.599T>G (p.Val200Gly)

Gene: PRPH2 (peripherin 2; minus strand). Cytogenetic location: 6p21.1.
Variant type: single nucleotide variant.
Coding change: c.599T>G on transcript NM_000322.5 (MANE Select); coding-DNA position 599, T replaced by G.
Protein change: p.Val200Gly; replaces valine 200 with glycine.
Molecular consequence: missense variant.
Genome position (GRCh38, 1-based): chr6:42,704,594, A>C on the plus strand (T>G on the coding strand, the complement: PRPH2 is on the minus strand). VCF-style: chr6-42704594-A-C. GRCh37 (hg19) VCF-style: chr6-42672332-A-C.
Other names: short protein forms V200G.
Identifiers: ClinVar variation 1175220 (VCV001175220.1), dbSNP rs62645932, ClinGen allele CA364135784.

ClinVar aggregate classification (germline): Pathogenic (0 of 4 stars; one submission).

Submission:

Leiden Open Variation Database
Classification: Pathogenic. Last evaluated: 2021-01-27. Review status: no assertion criteria provided. Collection method: curation. Allele origin: germline. Affected: yes.
Comment: Curator: Global Variome, with Curator vacancy. Submitter to LOVD: LOVD.

Literature cited by the submitters: PubMed 29453956.